The following is an entry in ClinVar:

ClinVar aggregate classification (germline): Uncertain significance (1 of 4 stars; one submission).

Conditions:
Inborn genetic diseases. Identifiers: MedGen C0950123, MeSH D030342.

Submission:

Ambry Genetics
Classification: Uncertain significance for Inborn genetic diseases. Last evaluated: 2025-02-10. Review status: criteria provided, single submitter. Criteria: Ambry Variant Classification Scheme 2023. Collection method: clinical testing. Allele origin: germline.
Comment: The p.S262W variant (also known as c.785C>G), located in coding exon 9 of the RTEL1 gene, results from a C to G substitution at nucleotide position 785. The serine at codon 262 is replaced by tryptophan, an amino acid with highly dissimilar properties. This amino acid position is conserved. In addition, the in silico prediction for this alteration is inconclusive. Based on the available evidence, the clinical significance of this variant remains unclear.

NM_001283009.2(RTEL1):c.785C>G (p.Ser262Trp)

Genes: RTEL1 (regulator of telomere elongation helicase 1; plus strand), RTEL1-TNFRSF6B (RTEL1-TNFRSF6B readthrough (NMD candidate); plus strand). Cytogenetic location: 20q13.33.
Variant type: single nucleotide variant.
Coding change: c.785C>G on transcript NM_001283009.2 (MANE Select); coding-DNA position 785, C replaced by G.
Protein change: p.Ser262Trp; replaces serine 262 with tryptophan.
Molecular consequence: missense variant. On other transcripts: non-coding transcript variant (1).
Genome position (GRCh38, 1-based): chr20:63,673,959, C>G. VCF-style: chr20-63673959-C-G. GRCh37 (hg19) VCF-style: chr20-62305312-C-G.
Other names: c.116C>G, p.Ser39Trp (NM_001283010.1); c.785C>G, p.Ser262Trp (NM_016434.4); c.857C>G, p.Ser286Trp (NM_032957.5); short protein forms S286W, S262W, S39W.
Identifiers: ClinVar variation 3791141 (VCV003791141.1).